The following is an entry in ClinVar:

ClinVar aggregate classification (germline): Uncertain significance (1 of 4 stars; one submission).

Conditions:
Hereditary cancer-predisposing syndrome. Also called: Hereditary neoplastic syndrome; Neoplastic Syndromes, Hereditary; Tumor predisposition; Hereditary Cancer Syndrome. Identifiers: Orphanet 140162, MedGen C0027672, MeSH D009386, MONDO:0015356.

Submission:

Ambry Genetics
Classification: Uncertain significance for Hereditary cancer-predisposing syndrome. Last evaluated: 2025-01-25. Review status: criteria provided, single submitter. Criteria: Ambry Variant Classification Scheme 2023. Collection method: clinical testing. Allele origin: germline.
Comment: The p.Y351F variant (also known as c.1052A>T), located in coding exon 6 of the CTNNA1 gene, results from an A to T substitution at nucleotide position 1052. The tyrosine at codon 351 is replaced by phenylalanine, an amino acid with highly similar properties. This amino acid position is conserved. In addition, the in silico prediction for this alteration is inconclusive. Based on the available evidence, the clinical significance of this variant remains unclear.

NM_001903.5(CTNNA1):c.1052A>T (p.Tyr351Phe)

Gene: CTNNA1 (catenin alpha 1; plus strand). Cytogenetic location: 5q31.2.
Variant type: single nucleotide variant.
Coding change: c.1052A>T on transcript NM_001903.5 (MANE Select); coding-DNA position 1052, A replaced by T.
Protein change: p.Tyr351Phe; replaces tyrosine 351 with phenylalanine.
Molecular consequence: missense variant.
Genome position (GRCh38, 1-based): chr5:138,827,708, A>T. VCF-style: chr5-138827708-A-T. GRCh37 (hg19) VCF-style: chr5-138163397-A-T.
Other names: c.1052A>T, p.Tyr351Phe (NM_001290307.3, NM_001323982.2, NM_001323983.1 and 3 more transcripts); c.743A>T, p.Tyr248Phe (NM_001290309.3); c.683A>T, p.Tyr228Phe (NM_001290310.3); short protein forms Y228F, Y248F, Y351F.
Identifiers: ClinVar variation 3837177 (VCV003837177.1).